The following is an entry in ClinVar:

NM_020829.4(RIC1):c.618C>T (p.Ile206=)

Gene: RIC1 (RIC1 partner of RAB6A GEF complex; plus strand). Cytogenetic location: 9p24.1.
Variant type: single nucleotide variant.
Coding change: c.618C>T on transcript NM_020829.4 (MANE Select); coding-DNA position 618, C replaced by T.
Protein change: p.Ile206=; no amino-acid change (isoleucine 206 retained).
Molecular consequence: synonymous variant.
Genome position (GRCh38, 1-based): chr9:5,720,648, C>T. VCF-style: chr9-5720648-C-T. GRCh37 (hg19) VCF-style: chr9-5720648-C-T.
Other names: c.618C>T, p.Ile206= (NM_001206557.2, NM_001135920.4).
Identifiers: ClinVar variation 2659050 (VCV002659050.24), dbSNP rs141426151, ClinGen allele CA4974305.

ClinVar aggregate classification (germline): Likely benign (1 of 4 stars; one submission).

Allele frequency attached by ClinVar (database versions not stated): ExAC 0.00030; 1000 Genomes Project 0.00040; 1000 Genomes Project 30x 0.00047; gnomAD 0.00059; ESP Exome Variant Server 0.00069; TOPMed 0.00071; gnomAD exomes 0.00075.
gnomAD v4.1: 1,169 of 1,610,326 alleles (0.073%); highest among the groups gnomAD compares: Non-Finnish European, 0.09%; no homozygotes.

Submission:

CeGaT Center for Human Genetics Tuebingen
Classification: Likely benign. Last evaluated: 2022-09-01. Review status: criteria provided, single submitter. Criteria: CeGaT Center For Human Genetics Tuebingen Variant Classification Criteria Version 2. Collection method: clinical testing. Allele origin: germline. Affected: yes. Observed: 1 variant allele.
Comment: RIC1: BP4, BP7